The following is an entry in ClinVar:

NM_000455.5(STK11):c.487G>A (p.Gly163Ser)

Gene: STK11 (serine/threonine kinase 11; plus strand). Cytogenetic location: 19p13.3.
Variant type: single nucleotide variant.
Coding change: c.487G>A on transcript NM_000455.5 (MANE Select); coding-DNA position 487, G replaced by A.
Protein change: p.Gly163Ser; replaces glycine 163 with serine.
Molecular consequence: missense variant. On other transcripts: non-coding transcript variant (1).
Genome position (GRCh38, 1-based): chr19:1,220,395, G>A. VCF-style: chr19-1220395-G-A. GRCh37 (hg19) VCF-style: chr19-1220394-G-A.
Other names: c.487G>A, p.Gly163Ser (NM_001407255.1); short protein forms G163S.
Identifiers: ClinVar variation 3450569 (VCV003450569.1).

ClinVar aggregate classification (germline): Uncertain significance (1 of 4 stars; one submission).

Conditions:
Hereditary cancer-predisposing syndrome. Also called: Tumor predisposition; Neoplastic Syndromes, Hereditary; Hereditary neoplastic syndrome; Hereditary Cancer Syndrome. Identifiers: Orphanet 140162, MedGen C0027672, MeSH D009386, MONDO:0015356.

Submission:

Ambry Genetics
Classification: Uncertain significance for Hereditary cancer-predisposing syndrome. Last evaluated: 2024-08-08. Review status: criteria provided, single submitter. Criteria: Ambry Variant Classification Scheme 2023. Collection method: clinical testing. Allele origin: germline.
Comment: The p.G163S variant (also known as c.487G>A), located in coding exon 4 of the STK11 gene, results from a G to A substitution at nucleotide position 487. The glycine at codon 163 is replaced by serine, an amino acid with similar properties. This amino acid position is highly conserved in available vertebrate species. In addition, this alteration is predicted to be deleterious by in silico analysis. Based on the available evidence, the clinical significance of this variant remains unclear.